The following is an entry in ClinVar:

ClinVar aggregate classification (germline): Benign/Likely benign. Review status: criteria provided, multiple submitters, no conflicts (2 of 4 stars). 5 submissions from 5 submitters: Benign (1); Likely benign (4). Last evaluated 2026-08-18.

Conditions:
Hereditary cancer-predisposing syndrome. Also called: Hereditary Cancer Syndrome; Hereditary neoplastic syndrome; Neoplastic Syndromes, Hereditary; Tumor predisposition. Identifiers: Orphanet 140162, MedGen C0027672, MeSH D009386, MONDO:0015356.
DICER1-related tumor predisposition. Also called: DICER1-related pleuropulmonary blastoma cancer predisposition syndrome; DICER1 syndrome. Identifiers: Orphanet 284343, MedGen C3839822, MONDO:0100216.

Allele frequency attached by ClinVar (database versions not stated): gnomAD 0.00001; gnomAD exomes 0.00001; TOPMed below 0.00001; ExAC 0.00002.
gnomAD v4.1: 18 of 1,613,600 alleles (0.0011%); highest among the groups gnomAD compares: Middle Eastern, 0.016%; no homozygotes.

Submissions (5):

Myriad Genetics, Inc.
Classification: Benign for DICER1-related tumor predisposition. Last evaluated: 2026-08-18. Review status: criteria provided, single submitter. Criteria: Myriad Autosomal Dominant, Autosomal Recessive and X-Linked Classification Criteria (2023). Collection method: clinical testing. Allele origin: unknown.
Comment: This variant is considered benign. This variant is a silent/synonymous amino acid change and it is not expected to impact splicing.

Labcorp Genetics (formerly Invitae), Labcorp
Classification: Likely benign for DICER1-related tumor predisposition. Last evaluated: 2026-01-19. Review status: criteria provided, single submitter. Criteria: Invitae Variant Classification Sherloc (09022015). Collection method: clinical testing. Allele origin: germline.

CeGaT Center for Human Genetics Tuebingen
Classification: Likely benign. Last evaluated: 2023-08-01. Review status: criteria provided, single submitter. Criteria: CeGaT Center For Human Genetics Tuebingen Variant Classification Criteria Version 2. Collection method: clinical testing. Allele origin: germline. Affected: yes. Observed: 1 variant allele.
Comment: DICER1: BP4, BP7

Sema4
Classification: Likely benign for Hereditary cancer-predisposing syndrome. Last evaluated: 2021-05-10. Review status: criteria provided, single submitter. Criteria: Sema4 Curation Guidelines. Collection method: curation. Allele origin: germline.

Ambry Genetics
Classification: Likely benign for Hereditary cancer-predisposing syndrome. Last evaluated: 2017-10-11. Review status: criteria provided, single submitter. Criteria: Ambry Variant Classification Scheme 2023. Collection method: clinical testing. Allele origin: germline.

NM_177438.3(DICER1):c.225A>G (p.Val75=)

Gene: DICER1 (dicer 1, ribonuclease III; minus strand). Cytogenetic location: 14q32.13.
Variant type: single nucleotide variant.
Coding change: c.225A>G on transcript NM_177438.3 (MANE Select); coding-DNA position 225, A replaced by G.
Protein change: p.Val75=; no amino-acid change (valine 75 retained).
Molecular consequence: synonymous variant.
Genome position (GRCh38, 1-based): chr14:95,132,597, T>C on the plus strand (A>G on the coding strand, the complement: DICER1 is on the minus strand). VCF-style: chr14-95132597-T-C. GRCh37 (hg19) VCF-style: chr14-95598934-T-C.
Other names: c.225A>G, p.Val75= (NM_001195573.1, NM_001271282.3, NM_001291628.2 and 1 more transcripts).
Identifiers: ClinVar variation 417132 (VCV000417132.43), dbSNP rs750568225, ClinGen allele CA7331711.